The following is an entry in ClinVar:

ClinVar aggregate classification (germline): Likely benign (0 of 4 stars; one submission).

Conditions:
MAPK10-related disorder. Also called: MAPK10-related condition.

Submission:

PreventionGenetics, part of Exact Sciences
Classification: Likely benign for MAPK10-related condition. Last evaluated: 2019-07-01. Review status: no assertion criteria provided. Collection method: clinical testing. Allele origin: germline.
Comment: This variant is classified as likely benign based on ACMG/AMP sequence variant interpretation guidelines (Richards et al. 2015 PMID: 25741868, with internal and published modifications).

NM_138982.4(MAPK10):c.426-5_426-3dup

Gene: MAPK10 (mitogen-activated protein kinase 10; minus strand). Cytogenetic location: 4q21.3.
Variant type: Duplication.
Coding change: c.426-5_426-3dup on transcript NM_138982.4 (MANE Select); 5 bases into the intron before coding-DNA position 426 through 3 bases into the intron before coding-DNA position 426, 3 bases duplicated (TCT; older notation c.426-5_426-3dupTCT).
Molecular consequence: intron variant.
Genome position (GRCh38, 1-based): chr4:86,102,035-86,102,037, AGA duplicated on the plus strand (TCT on the coding strand, the reverse complement: MAPK10 is on the minus strand); duplicating any 3 consecutive bases within chr4:86,102,035-86,102,039 gives the same sequence; the c. name uses the placement nearest the transcript's 3' end. VCF-style (leftmost placement, unchanged base first): chr4-86102034-T-TAGA. GRCh37 (hg19) VCF-style: chr4-87023187-T-TAGA.
Other names: c.426-5_426-3dup (NM_002753.6, NM_001318069.2, NM_001318067.1); c.312-5_312-3dup (NM_001351624.2, NM_001351625.3, NM_001363657.3 and 1 more transcripts); c.-10-5_-10-3dup (NM_001318068.1); c.426-5_426-3dupTCT (NM_002753.4).
Identifiers: ClinVar variation 349951 (VCV000349951.7), dbSNP rs757219361, ClinGen allele CA2995192.
Genomic context (GRCh38, chr4:86,102,034, plus strand): 5'-CTAATTCCATCTGAATCACTTGACATAAGTTGGCATCCATCAGTTCCATTACTAAGTAAC[T>TAGA]AGAAGGGTGAATCCACAGTGTTAGTTCCAGATCACAAGATCTATGAAGTCCTTTGATTTA-3'